The following is an entry in ClinVar:

ClinVar aggregate classification (germline): Likely benign. Review status: criteria provided, multiple submitters, no conflicts (2 of 4 stars). 7 submissions from 7 submitters: Likely benign (7). Last evaluated 2025-12-22.

Conditions:
Cardiovascular phenotype. Identifiers: MedGen CN230736.
Long QT syndrome 2 (LQT2). Identifiers: Orphanet 101016, Orphanet 768, MedGen C3150943, MONDO:0013367, OMIM 613688.
Short QT syndrome type 1. Identifiers: Orphanet 51083, MedGen C1865020, MONDO:0012312, OMIM 609620.
Cardiac arrhythmia. Also called: Cardiac rhythm disease; Arrhythmia. Identifiers: MedGen C0003811, MONDO:0007263, HP:0011675.
Long QT syndrome (LQTS). Identifiers: MedGen C0023976, MeSH D008133, MONDO:0002442. Disease mechanism: loss of function. Inheritance: Various modes of inheritance.

Allele frequency attached by ClinVar (database versions not stated): gnomAD exomes 0.00003; gnomAD 0.00010; TOPMed 0.00012; 1000 Genomes Project 30x 0.00016.
gnomAD v4.1: 46 of 1,530,702 alleles (0.003%); highest among the groups gnomAD compares: Middle Eastern, 0.045%; no homozygotes.

Submissions (7):

Labcorp Genetics (formerly Invitae), Labcorp
Classification: Likely benign for Long QT syndrome. Last evaluated: 2025-12-22. Review status: criteria provided, single submitter. Criteria: Invitae Variant Classification Sherloc (09022015). Collection method: clinical testing. Allele origin: germline.

All of Us Research Program, National Institutes of Health
Classification: Likely benign for Long QT syndrome. Last evaluated: 2023-12-13. Review status: criteria provided, single submitter. Criteria: ACMG Guidelines, 2015. Collection method: clinical testing. Allele origin: germline. Inheritance: Autosomal dominant inheritance. Observed: 7 variant alleles, 7 heterozygotes.
Comment: This study involves interpretation of variants in research participants for the purpose of population health screening. Participant phenotype was not available at the time of variant classification. Additional details can be found in publication PMID: 35346344, PMCID: PMC8962531

Fulgent Genetics
Classification: Likely benign for Short QT syndrome type 1; Long QT syndrome 2. Last evaluated: 2021-08-18. Review status: criteria provided, single submitter. Criteria: ACMG Guidelines, 2015. Collection method: clinical testing. Allele origin: unknown.

Blueprint Genetics
Classification: Likely benign. Last evaluated: 2021-04-26. Review status: criteria provided, single submitter. Criteria: ACMG Guidelines, 2015. Collection method: clinical testing. Allele origin: germline.

GeneDx
Classification: Likely benign. Last evaluated: 2021-01-20. Review status: criteria provided, single submitter. Criteria: GeneDx Variant Classification Process June 2021. Collection method: clinical testing. Allele origin: germline. Affected: yes.

Color Diagnostics, LLC DBA Color Health
Classification: Likely benign for Arrhythmia. Last evaluated: 2019-01-07. Review status: criteria provided, single submitter. Criteria: ACMG Guidelines, 2015. Collection method: clinical testing. Allele origin: germline.

Ambry Genetics
Classification: Likely benign for Cardiovascular phenotype. Last evaluated: 2017-12-12. Review status: criteria provided, single submitter. Criteria: Ambry Variant Classification Scheme 2023. Collection method: clinical testing. Allele origin: germline.

NM_000238.4(KCNH2):c.2769G>A (p.Pro923=)

Gene: KCNH2 (potassium voltage-gated channel subfamily H member 2; minus strand). Cytogenetic location: 7q36.1.
Variant type: single nucleotide variant.
Coding change: c.2769G>A on transcript NM_000238.4 (MANE Select); coding-DNA position 2769, G replaced by A.
Protein change: p.Pro923=; no amino-acid change (proline 923 retained).
Molecular consequence: synonymous variant.
Genome position (GRCh38, 1-based): chr7:150,947,802, C>T on the plus strand (G>A on the coding strand, the complement: KCNH2 is on the minus strand). VCF-style: chr7-150947802-C-T. GRCh37 (hg19) VCF-style: chr7-150644890-C-T.
Other names: c.2769G>A (NM_000238.2); c.1749G>A, p.Pro583= (NM_172057.3).
Identifiers: ClinVar variation 518765 (VCV000518765.25), dbSNP rs557789224, ClinGen allele CA169072642.